The following is an entry in ClinVar:

ClinVar aggregate classification (germline): Uncertain significance. Review status: criteria provided, multiple submitters, no conflicts (2 of 4 stars). 3 submissions from 3 submitters: Uncertain significance (2). 1 of the submissions does not count toward it. Last evaluated 2026-01-23.

Conditions:
RAB23-related disorder. Also called: RAB23-related condition.
Carpenter syndrome. Identifiers: Orphanet 65759, MedGen C1275078, MONDO:0019012.
RAB23-related Carpenter syndrome. Also called: Carpenter syndrome 1; ACPS II. Identifiers: Orphanet 65759, MedGen C4551510, MONDO:0008710, OMIM 201000.

Allele frequency attached by ClinVar (database versions not stated): TOPMed 0.00007; ExAC 0.00011; ESP Exome Variant Server 0.00015; gnomAD exomes 0.00008; gnomAD 0.00011 and 0.00013.
gnomAD v4.1: 78 of 1,613,928 alleles (0.0048%); highest among the groups gnomAD compares: African/African-American, 0.025%; no homozygotes.

Submissions (3):

PreventionGenetics, part of Exact Sciences
Classification: Uncertain significance for RAB23-related condition. Last evaluated: 2026-01-23. Review status: criteria provided, single submitter. Criteria: ACMG Guidelines, 2015. Collection method: clinical testing. Allele origin: germline.
Comment: The RAB23 c.25G>A variant is predicted to result in the amino acid substitution p.Ala9Thr. This variant has been reported with uncertain significance in an individual with single suture craniosynostosis (Clarke et al. 2018. PubMed ID: 29168297). This variant is reported in 0.036% of alleles in individuals of African descent in gnomAD. At this time, the clinical significance of this variant is uncertain due to the absence of conclusive functional and genetic evidence.

Labcorp Genetics (formerly Invitae), Labcorp
Classification: Uncertain significance for Carpenter syndrome. Last evaluated: 2021-08-13. Review status: criteria provided, single submitter. Criteria: Invitae Variant Classification Sherloc (09022015). Collection method: clinical testing. Allele origin: germline.
Comment: This sequence change replaces alanine with threonine at codon 9 of the RAB23 protein (p.Ala9Thr). The alanine residue is highly conserved and there is a small physicochemical difference between alanine and threonine. This variant is present in population databases (rs150655349, ExAC 0.05%). This missense change has been observed in individual(s) with clinical features of RAB23-related conditions (Invitae). ClinVar contains an entry for this variant (Variation ID: 532184). Algorithms developed to predict the effect of missense changes on protein structure and function are either unavailable or do not agree on the potential impact of this missense change (SIFT: "Deleterious"; PolyPhen-2: "Benign"; Align-GVGD: "Class C55"). In summary, the available evidence is currently insufficient to determine the role of this variant in disease. Therefore, it has been classified as a Variant of Uncertain Significance.

Natera, Inc.
Classification: Uncertain significance for Acrocephalopolysyndactyly type II. Last evaluated: 2020-09-16. Review status: no assertion criteria provided. Collection method: clinical testing. Allele origin: germline. Not counted in ClinVar's aggregate classification.

NM_016277.5(RAB23):c.25G>A (p.Ala9Thr)

Gene: RAB23 (RAB23, member RAS oncogene family; minus strand). Cytogenetic location: 6p11.2.
Variant type: single nucleotide variant.
Coding change: c.25G>A on transcript NM_016277.5 (MANE Select); coding-DNA position 25, G replaced by A.
Protein change: p.Ala9Thr; replaces alanine 9 with threonine.
Molecular consequence: missense variant. On other transcripts: non-coding transcript variant (1).
Genome position (GRCh38, 1-based): chr6:57,210,356, C>T on the plus strand (G>A on the coding strand, the complement: RAB23 is on the minus strand). VCF-style: chr6-57210356-C-T. GRCh37 (hg19) VCF-style: chr6-57075154-C-T.
Other names: c.25G>A, p.Ala9Thr (NM_001278666.2, NM_001278667.2, NM_001278668.2 and 1 more transcripts); short protein forms A9T.
Identifiers: ClinVar variation 532184 (VCV000532184.6), dbSNP rs150655349, ClinGen allele CA3873933.